The following is an entry in ClinVar:

ClinVar aggregate classification (germline): Uncertain significance (1 of 4 stars; one submission).

Conditions:
Bethlem myopathy 1A. Also called: MYOPATHY, BENIGN CONGENITAL, WITH CONTRACTURES; Bethlem Muscular Dystrophy; Bethlem myopathy 1. Identifiers: Orphanet 610, MedGen CN029274, MONDO:0024530, OMIM 158810.

Submission:

Labcorp Genetics (formerly Invitae), Labcorp
Classification: Uncertain significance for Bethlem myopathy 1A. Last evaluated: 2021-01-07. Review status: criteria provided, single submitter. Criteria: Invitae Variant Classification Sherloc (09022015). Collection method: clinical testing. Allele origin: germline.
Comment: In summary, the available evidence is currently insufficient to determine the role of this variant in disease. Therefore, it has been classified as a Variant of Uncertain Significance. Advanced modeling of protein sequence and biophysical properties (such as structural, functional, and spatial information, amino acid conservation, physicochemical variation, residue mobility, and thermodynamic stability) performed at Invitae indicates that this missense variant is not expected to disrupt COL6A3 protein function. This variant has not been reported in the literature in individuals with COL6A3-related conditions. This variant is not present in population databases (ExAC no frequency). This sequence change replaces alanine with valine at codon 1621 of the COL6A3 protein (p.Ala1621Val). The alanine residue is weakly conserved and there is a small physicochemical difference between alanine and valine.

NM_004369.4(COL6A3):c.4862C>T (p.Ala1621Val)

Gene: COL6A3 (collagen type VI alpha 3 chain; minus strand). Cytogenetic location: 2q37.3.
Variant type: single nucleotide variant.
Coding change: c.4862C>T on transcript NM_004369.4 (MANE Select); coding-DNA position 4862, C replaced by T.
Protein change: p.Ala1621Val; replaces alanine 1621 with valine.
Molecular consequence: missense variant.
Genome position (GRCh38, 1-based): chr2:237,368,601, G>A on the plus strand (C>T on the coding strand, the complement: COL6A3 is on the minus strand). VCF-style: chr2-237368601-G-A. GRCh37 (hg19) VCF-style: chr2-238277244-G-A.
Other names: c.3041C>T, p.Ala1014Val (NM_057166.5); c.4244C>T, p.Ala1415Val (NM_057167.4); short protein forms A1014V, A1415V, A1621V.
Identifiers: ClinVar variation 1361173 (VCV001361173.8), dbSNP rs1168631702, ClinGen allele CA351190744.
Genomic context (GRCh38, chr2:237,368,601, plus strand): 5'-TCATGGGTCACACGGTGCATACCTGGCCGTGAAGGAGGAGGGGTGTCCACCCCTGGAGGT[G>A]CAGGAGTGGCTGCGGAGGGTCCAAACGAGTTCATGATTCTTTCTTCTATGTTGGGAAGCT-3'
Protein context (NP_004360.2, residues 1611-1631): NSFGPSAATP[Ala1621Val]PPGVDTPPPS